The following is an entry in ClinVar:

NM_000059.4(BRCA2):c.2979G>A (p.Trp993Ter)

Gene: BRCA2 (BRCA2 DNA repair associated; plus strand). Cytogenetic location: 13q13.1.
Variant type: single nucleotide variant.
Coding change: c.2979G>A on transcript NM_000059.4 (MANE Select); coding-DNA position 2979, G replaced by A.
Protein change: p.Trp993Ter; replaces tryptophan 993 with a stop codon.
Molecular consequence: nonsense.
Genome position (GRCh38, 1-based): chr13:32,337,334, G>A. VCF-style: chr13-32337334-G-A. GRCh37 (hg19) VCF-style: chr13-32911471-G-A.
Other names: 3207G>A; short protein forms W993*.
Identifiers: ClinVar variation 37812 (VCV000037812.27), dbSNP rs80358544, ClinGen allele CA016943.

ClinVar aggregate classification (germline): Pathogenic. Review status: reviewed by expert panel (3 of 4 stars). 12 submissions from 12 submitters: Pathogenic (1). 11 of the submissions do not count toward it. Last evaluated 2016-09-08.

Conditions:
BRCA2-related disorder. Also called: BRCA2-related condition; BRCA2-related disorders. Identifiers: MedGen CN239275.
Hereditary cancer-predisposing syndrome. Also called: Neoplastic Syndromes, Hereditary; Hereditary neoplastic syndrome; Tumor predisposition; Hereditary Cancer Syndrome. Identifiers: Orphanet 140162, MedGen C0027672, MeSH D009386, MONDO:0015356.
Hereditary breast ovarian cancer syndrome. Also called: Hereditary breast and/or ovarian cancer syndrome; Breast and ovarian cancer; BRCA1- and BRCA2-Associated Hereditary Breast and Ovarian Cancer; Hereditary breast and ovarian cancer; Hereditary breast and ovarian cancer syndrome; Hereditary breast and ovarian cancer syndrome (HBOC). Identifiers: Orphanet 145, MedGen C0677776, MeSH D061325, MONDO:0003582. Disease mechanism: loss of function.
Breast-ovarian cancer, familial, susceptibility to, 2 (BROVCA2). Also called: BRCA2 Hereditary Breast and Ovarian Cancer. Identifiers: Orphanet 145, MedGen C2675520, MONDO:0012933, OMIM 612555. Disease mechanism: loss of function.
Familial cancer of breast. Also called: BREAST CANCER, FAMILIAL; Hereditary breast cancer; hereditary breast carcinoma. Identifiers: Orphanet 227535, MedGen C0346153, MONDO:0016419, OMIM 114480. Disease mechanism: loss of function.

Submissions (12):

Evidence-based Network for the Interpretation of Germline Mutant Alleles (ENIGMA)
Classification: Pathogenic for Breast-ovarian cancer, familial, susceptibility to, 2. Last evaluated: 2016-09-08. Review status: reviewed by expert panel. Criteria: ENIGMA BRCA1/2 Classification Criteria (2015). Collection method: curation. Allele origin: germline.
Comment: Variant allele predicted to encode a truncated non-functional protein.

Ambry Genetics
Classification: Pathogenic for Hereditary cancer-predisposing syndrome. Last evaluated: 2025-07-15. Review status: criteria provided, single submitter. Criteria: Ambry Variant Classification Scheme 2023. Collection method: clinical testing. Allele origin: germline. Not counted in ClinVar's aggregate classification.
Comment: The p.W993* pathogenic mutation (also known as c.2979G>A), located in coding exon 10 of the BRCA2 gene, results from a G to A substitution at nucleotide position 2979. This changes the amino acid from a tryptophan to a stop codon within coding exon 10. This variant was reported in multiple families with hereditary breast and ovarian cancer syndrome (Ware MD et al. Oncogene, 2006 Jan;25:323-8;Lecarpentier J, Breast Cancer Res. 2012 Jul; 14(4):R99; Rebbeck TR et al, Hum Mutat. 2018 May;39(5):593-620). This variant is considered to be rare based on population cohorts in the Genome Aggregation Database (gnomAD). This alteration is expected to result in loss of function by premature protein truncation or nonsense-mediated mRNA decay. As such, this alteration is interpreted as a disease-causing mutation.

GeneKor MSA
Classification: Pathogenic for Hereditary breast ovarian cancer syndrome. Last evaluated: 2025-06-25. Review status: criteria provided, single submitter. Criteria: ACMG Guidelines, 2015. Collection method: clinical testing. Allele origin: germline. Affected: yes. Not counted in ClinVar's aggregate classification.
Comment: This is a single nucleotide substitution creating a premature translational stop signal at codon 993 of the BRCA2 protein p.(Trp993*). It is expected to result in an absent or disrupted protein product. Truncating variants in the BRCA2 gene are known to be pathogenic (PMID:20104584). This variation is not present in population databases (rs80358544). This variant has been reported in the international literature in individuals affected with breast and ovarian cancer (PMID:16170354, 29446198, 36974006). The mutation database Clinvar contains entries for this variant where it is listed as pathogenic (VCV000037812.23). Based on the classification criteria set by the ACMG and AMP (PMID:25741868) this variant has been classified as pathogenic.

Labcorp Genetics (formerly Invitae), Labcorp
Classification: Pathogenic for Hereditary breast ovarian cancer syndrome. Last evaluated: 2024-06-21. Review status: criteria provided, single submitter. Criteria: Invitae Variant Classification Sherloc (09022015). Collection method: clinical testing. Allele origin: germline. Not counted in ClinVar's aggregate classification.
Comment: This sequence change creates a premature translational stop signal (p.Trp993*) in the BRCA2 gene. It is expected to result in an absent or disrupted protein product. Loss-of-function variants in BRCA2 are known to be pathogenic (PMID: 20104584). This variant is not present in population databases (gnomAD no frequency). This premature translational stop signal has been observed in individual(s) with breast cancer and/or ovarian cancer (PMID: 16170354). ClinVar contains an entry for this variant (Variation ID: 37812). For these reasons, this variant has been classified as Pathogenic.

All of Us Research Program, National Institutes of Health
Classification: Pathogenic for Breast-ovarian cancer, familial, susceptibility to, 2. Last evaluated: 2024-01-08. Review status: criteria provided, single submitter. Criteria: ACMG Guidelines, 2015. Collection method: clinical testing. Allele origin: germline. Inheritance: Autosomal dominant inheritance. Observed: 1 variant allele, 1 heterozygote. Not counted in ClinVar's aggregate classification.
Comment: This variant changes 1 nucleotide in exon 11 of the BRCA2 gene, creating a premature translation stop signal. This variant is expected to result in an absent or non-functional protein product. This variant has been reported in an individual affected with lung cancer (PMID: 35281878) and in individuals with a personal or family history of breast or ovarian cancer (PMID: 16170354, 29446198, 36974006). This variant has not been identified in the general population by the Genome Aggregation Database (gnomAD). Loss of BRCA2 function is a known mechanism of disease. Based on the available evidence, this variant is classified as Pathogenic.

This study involves interpretation of variants in research participants for the purpose of population health screening. Participant phenotype was not available at the time of variant classification. Additional details can be found in publication PMID: 35346344, PMCID: PMC8962531

Color Diagnostics, LLC DBA Color Health
Classification: Pathogenic for Hereditary cancer-predisposing syndrome. Last evaluated: 2023-11-08. Review status: criteria provided, single submitter. Criteria: ACMG Guidelines, 2015. Collection method: clinical testing. Allele origin: germline. Not counted in ClinVar's aggregate classification.
Comment: This variant changes 1 nucleotide in exon 11 of the BRCA2 gene, creating a premature translation stop signal. This variant is expected to result in an absent or non-functional protein product. This variant has been reported in an individual affected with lung cancer (PMID: 35281878) and in individuals with a personal or family history of breast or ovarian cancer (PMID: 16170354, 29446198, 36974006). This variant has not been identified in the general population by the Genome Aggregation Database (gnomAD). Loss of BRCA2 function is a known mechanism of disease. Based on the available evidence, this variant is classified as Pathogenic.

Baylor Genetics
Classification: Pathogenic for Familial cancer of breast. Last evaluated: 2022-09-20. Review status: criteria provided, single submitter. Criteria: ACMG Guidelines, 2015. Collection method: clinical testing. Allele origin: unknown. Not counted in ClinVar's aggregate classification.

Blueprint Genetics
Classification: Pathogenic for BRCA2-related disorders. Last evaluated: 2020-03-27. Review status: criteria provided, single submitter. Criteria: ACMG Guidelines, 2015. Collection method: clinical testing. Allele origin: germline. Affected: yes. Observed: 1 variant allele. Not counted in ClinVar's aggregate classification.

Women's Health and Genetics/Laboratory Corporation of America, LabCorp
Classification: Pathogenic for Hereditary breast ovarian cancer syndrome. Last evaluated: 2016-12-19. Review status: criteria provided, single submitter. Criteria: LabCorp Variant Classification Summary - May 2015. Collection method: clinical testing. Allele origin: germline. Not counted in ClinVar's aggregate classification.
Comment: Variant summary: The BRCA2 c.2979G>A (p.Trp993X) variant results in a premature termination codon, predicted to cause a truncated or absent BRCA2 protein due to nonsense mediated decay, which are commonly known mechanisms for disease. Truncations downstream of this position have been classified as pathogenic by our laboratory (e.g. c.3103G>T, p.Glu1035X; c.3187C>T, p.Gln1063X; c.3226_3230delGTAGT, p.Val1076fsX3). One in silico tool predicts a damaging outcome for this variant. This variant is absent in 120312 control chromosomes, but has been reported in numerous affected individuals in the literature. In addition, multiple clinical diagnostic laboratories/reputable databases classified this variant as pathogenic. Taken together, this variant is classified as pathogenic.

Consortium of Investigators of Modifiers of BRCA1/2 (CIMBA), c/o University of Cambridge
Classification: Pathogenic for Breast-ovarian cancer, familial, susceptibility to, 2. Last evaluated: 2015-10-02. Review status: criteria provided, single submitter. Criteria: CIMBA Mutation Classification guidelines May 2016. Collection method: clinical testing. Allele origin: germline. Not counted in ClinVar's aggregate classification.

Sharing Clinical Reports Project (SCRP)
Classification: Pathogenic for Breast-ovarian cancer, familial 2. Last evaluated: 2012-02-01. Review status: no assertion criteria provided. Collection method: clinical testing. Allele origin: germline. Not counted in ClinVar's aggregate classification.

Breast Cancer Information Core (BIC) (BRCA2)
Classification: Pathogenic for Breast-ovarian cancer, familial 2. Last evaluated: 2002-05-29. Review status: no assertion criteria provided. Collection method: clinical testing. Allele origin: germline. Affected: yes. Observed: 2 variant alleles. Not counted in ClinVar's aggregate classification.

Literature cited by the submitters: PubMed 16170354 (cited by 6 submitters); PubMed 21702907 (cited by Ambry Genetics and Women's Health and Genetics/Laboratory Corporation of America, LabCorp); PubMed 22762150 (cited by Ambry Genetics and Women's Health and Genetics/Laboratory Corporation of America, LabCorp); PubMed 20104584 (cited by GeneKor MSA and Labcorp Genetics (formerly Invitae), Labcorp); PubMed 29446198 (cited by 3 submitters); PubMed 36974006 (cited by 3 submitters); PubMed 35281878 (cited by All of Us Research Program, National Institutes of Health and Color Diagnostics, LLC DBA Color Health); PubMed 21993507 (cited by Women's Health and Genetics/Laboratory Corporation of America, LabCorp); PubMed 23929434 (cited by Women's Health and Genetics/Laboratory Corporation of America, LabCorp).